The following is an entry in ClinVar:

ClinVar aggregate classification (germline): Likely benign. Review status: criteria provided, single submitter (1 of 4 stars). 2 submissions from 2 submitters: Likely benign (1). 1 of the submissions does not count toward it. Last evaluated 2024-11-11.

Conditions:
ZFHX3-related disorder. Also called: ZFHX3-related condition.

Allele frequency attached by ClinVar (database versions not stated): gnomAD exomes 0.00091; ExAC 0.00177; gnomAD 0.00465; ESP Exome Variant Server 0.00500; TOPMed 0.00528; 1000 Genomes Project 30x 0.00625; 1000 Genomes Project 0.00659.
gnomAD v4.1: 2,145 of 1,614,148 alleles (0.13%); highest among the groups gnomAD compares: African/African-American, 1.7%; 17 homozygotes.

Submissions (2):

Blueprint Genetics
Classification: Likely benign. Last evaluated: 2024-11-11. Review status: criteria provided, single submitter. Criteria: ACMG Guidelines, 2015. Collection method: clinical testing. Allele origin: germline.

PreventionGenetics, part of Exact Sciences
Classification: Benign for ZFHX3-related condition. Last evaluated: 2019-06-19. Review status: no assertion criteria provided. Collection method: clinical testing. Allele origin: germline. Not counted in ClinVar's aggregate classification.
Comment: This variant is classified as benign based on ACMG/AMP sequence variant interpretation guidelines (Richards et al. 2015 PMID: 25741868, with internal and published modifications).

NM_006885.4(ZFHX3):c.2845G>A (p.Val949Ile)

Gene: ZFHX3 (zinc finger homeobox 3; minus strand). Cytogenetic location: 16q22.3.
Variant type: single nucleotide variant.
Coding change: c.2845G>A on transcript NM_006885.4 (MANE Select); coding-DNA position 2845, G replaced by A.
Protein change: p.Val949Ile; replaces valine 949 with isoleucine.
Molecular consequence: missense variant.
Genome position (GRCh38, 1-based): chr16:72,950,840, C>T on the plus strand (G>A on the coding strand, the complement: ZFHX3 is on the minus strand). VCF-style: chr16-72950840-C-T. GRCh37 (hg19) VCF-style: chr16-72984739-C-T.
Other names: c.103G>A, p.Val35Ile (NM_001164766.2); c.2845G>A, p.Val949Ile (NM_001386735.1); short protein forms V35I, V949I.
Identifiers: ClinVar variation 3033558 (VCV003033558.3), dbSNP rs113497421, ClinGen allele CA8164270.